The following is an entry in ClinVar:

Conditions:
Breast-ovarian cancer, familial, susceptibility to, 1 (BROVCA1). Also called: BRCA1 Hereditary Breast and Ovarian Cancer; OVARIAN CANCER, SUSCEPTIBILITY TO. Identifiers: Orphanet 145, MedGen C2676676, MONDO:0011450, OMIM 604370. Disease mechanism: loss of function.

Allele frequency attached by ClinVar (database versions not stated): gnomAD exomes below 0.00001.
gnomAD v4.1: 1 of 1,614,154 alleles (0.000062%); highest among the groups gnomAD compares: Non-Finnish European, 0.000085%; no homozygotes.

Submission:

Brotman Baty Institute, University of Washington
No classification provided (evidence only). Condition: Breast-ovarian cancer, familial 1. Review status: no classification provided. Collection method: in vitro. Allele origin: not applicable. Functional consequence: functionally_normal.
ClinVar note: "not provided" was previously submitted as the classification for the variant. However, the classification appeared to be based only on an observation of functional data so it was converted to no classification on 2025-07-30.

NM_007294.4(BRCA1):c.5375T>C (p.Val1792Ala)

Gene: BRCA1 (BRCA1 DNA repair associated; minus strand). Cytogenetic location: 17q21.31.
Variant type: single nucleotide variant.
Coding change: c.5375T>C on transcript NM_007294.4 (MANE Select); coding-DNA position 5375, T replaced by C.
Protein change: p.Val1792Ala; replaces valine 1792 with alanine.
Molecular consequence: missense variant. On other transcripts: non-coding transcript variant (1), intron variant (1).
Genome position (GRCh38, 1-based): chr17:43,049,152, A>G on the plus strand (T>C on the coding strand, the complement: BRCA1 is on the minus strand). VCF-style: chr17-43049152-A-G. GRCh37 (hg19) VCF-style: chr17-41201169-A-G.
Other names: c.5162T>C, p.Val1721Ala (NM_001407571.1, NM_001407894.1, NM_001407908.1 and 12 more transcripts); c.5441T>C, p.Val1814Ala (NM_001407581.1, NM_001407582.1); c.5438T>C, p.Val1813Ala (NM_001407583.1, NM_001407585.1, NM_001407587.1 and 1 more transcripts); c.5435T>C, p.Val1812Ala (NM_001407590.1, NM_001407591.1); c.5375T>C, p.Val1792Ala (NM_001407593.1, NM_001407594.1, NM_001407596.1 and 5 more transcripts); c.5372T>C, p.Val1791Ala (NM_001407610.1, NM_001407611.1, NM_001407612.1 and 14 more transcripts); c.5369T>C, p.Val1790Ala (NM_001407628.1, NM_001407629.1, NM_001407630.1 and 13 more transcripts); c.5318T>C, p.Val1773Ala (NM_001407648.1); and 73 more; short protein forms V1745A, V1792A, V688A, V1813A, V1496A, V1665A, V1680A, V1725A.
Identifiers: ClinVar variation 868390 (VCV000868390.3), dbSNP rs2051082443, ClinGen allele CA10590721.
Genomic context (GRCh38, chr17:43,049,152, plus strand): 5'-CCCTCTCTGACAGGGCACCCAATACTTACTGTGCCAAGGGTGAATGATGAAAGCTCCTTC[A>G]CCACAGAAGCACCACACAGCTGTACCATCCATTCCAGTTGATCTAAAATGGACATTTAGA-3'
Protein context (NP_009225.1, residues 1782-1802): WMVQLCGASV[Val1792Ala]KELSSFTLGT